The following is an entry in ClinVar:

ClinVar aggregate classification (germline): Uncertain significance (1 of 4 stars; one submission).

Submission:

Ambry Genetics
Classification: Uncertain significance. Last evaluated: 2026-08-04. Review status: criteria provided, single submitter. Criteria: Ambry Variant Classification Scheme 2023. Collection method: clinical testing. Allele origin: germline.
Comment: The p.A654S variant (also known as c.1960G>T), located in coding exon 19 of the SRP72 gene, results from a G to T substitution at nucleotide position 1960. The alanine at codon 654 is replaced by serine, an amino acid with similar properties. This amino acid position is conserved. In addition, this alteration is predicted to be tolerated by in silico analysis. Based on the available evidence, the clinical significance of this variant remains unclear.

NM_006947.4(SRP72):c.1960G>T (p.Ala654Ser)

Gene: SRP72 (signal recognition particle 72; plus strand). Cytogenetic location: 4q12.
Variant type: single nucleotide variant.
Coding change: c.1960G>T on transcript NM_006947.4 (MANE Select); coding-DNA position 1960, G replaced by T.
Protein change: p.Ala654Ser; replaces alanine 654 with serine.
Molecular consequence: missense variant. On other transcripts: non-coding transcript variant (1).
Genome position (GRCh38, 1-based): chr4:56,501,805, G>T. VCF-style: chr4-56501805-G-T. GRCh37 (hg19) VCF-style: chr4-57367971-G-T.
Other names: c.1777G>T, p.Ala593Ser (NM_001267722.2); short protein forms A593S, A654S.
Identifiers: ClinVar variation 5030244 (VCV005030244.1).